The following is an entry in ClinVar:

NM_020738.4(KIDINS220):c.4505T>A (p.Leu1502His)

Gene: KIDINS220 (kinase D interacting substrate 220; minus strand). Cytogenetic location: 2p25.1.
Variant type: single nucleotide variant.
Coding change: c.4505T>A on transcript NM_020738.4 (MANE Select); coding-DNA position 4505, T replaced by A.
Protein change: p.Leu1502His; replaces leucine 1502 with histidine.
Molecular consequence: missense variant. On other transcripts: intron variant (6).
Genome position (GRCh38, 1-based): chr2:8,731,531, A>T on the plus strand (T>A on the coding strand, the complement: KIDINS220 is on the minus strand). VCF-style: chr2-8731531-A-T. GRCh37 (hg19) VCF-style: chr2-8871661-A-T.
Other names: c.4508T>A, p.Leu1503His (NM_001348729.2); c.4451T>A, p.Leu1484His (NM_001348731.2); c.4448T>A, p.Leu1483His (NM_001348732.2); c.4337T>A, p.Leu1446His (NM_001348734.2); c.4334T>A, p.Leu1445His (NM_001348735.2); c.4208T>A, p.Leu1403His (NM_001348736.2); c.3882+1913T>A (NM_001348741.2, NM_001348742.2, NM_001348743.2); c.3996+1913T>A (NM_001348738.2); and 1 more; short protein forms L1403H, L1503H, L1445H, L1484H, L1446H, L1483H, L1502H.
Identifiers: ClinVar variation 2135415 (VCV002135415.4), dbSNP rs2527402066, ClinGen allele CA345764075.

ClinVar aggregate classification (germline): Uncertain significance (1 of 4 stars; one submission).

Submission:

Labcorp Genetics (formerly Invitae), Labcorp
Classification: Uncertain significance. Last evaluated: 2022-05-08. Review status: criteria provided, single submitter. Criteria: Invitae Variant Classification Sherloc (09022015). Collection method: clinical testing. Allele origin: germline.
Comment: In summary, the available evidence is currently insufficient to determine the role of this variant in disease. Therefore, it has been classified as a Variant of Uncertain Significance. Algorithms developed to predict the effect of missense changes on protein structure and function are either unavailable or do not agree on the potential impact of this missense change (SIFT: "Deleterious"; PolyPhen-2: "Probably Damaging"; Align-GVGD: "Class C0"). This variant has not been reported in the literature in individuals affected with KIDINS220-related conditions. This variant is not present in population databases (gnomAD no frequency). This sequence change replaces leucine, which is neutral and non-polar, with histidine, which is basic and polar, at codon 1502 of the KIDINS220 protein (p.Leu1502His).